The following is an entry in ClinVar:

NM_004525.3(LRP2):c.4063G>T (p.Asp1355Tyr)

Gene: LRP2 (LDL receptor related protein 2; minus strand). Cytogenetic location: 2q31.1.
Variant type: single nucleotide variant.
Coding change: c.4063G>T on transcript NM_004525.3 (MANE Select); coding-DNA position 4063, G replaced by T.
Protein change: p.Asp1355Tyr; replaces aspartic acid 1355 with tyrosine.
Molecular consequence: missense variant.
Genome position (GRCh38, 1-based): chr2:169,239,758, C>A on the plus strand (G>T on the coding strand, the complement: LRP2 is on the minus strand). VCF-style: chr2-169239758-C-A. GRCh37 (hg19) VCF-style: chr2-170096268-C-A.
Other names: short protein forms D1355Y.
Identifiers: ClinVar variation 1508185 (VCV001508185.3), dbSNP rs1209266839, ClinGen allele CA349146164.

ClinVar aggregate classification (germline): Uncertain significance (1 of 4 stars; one submission).

Allele frequency attached by ClinVar (database versions not stated): gnomAD exomes below 0.00001 and 0.00001; TOPMed 0.00001.

Submission:

Labcorp Genetics (formerly Invitae), Labcorp
Classification: Uncertain significance. Last evaluated: 2021-08-23. Review status: criteria provided, single submitter. Criteria: Invitae Variant Classification Sherloc (09022015). Collection method: clinical testing. Allele origin: germline.
Comment: This sequence change replaces aspartic acid with tyrosine at codon 1355 of the LRP2 protein (p.Asp1355Tyr). The aspartic acid residue is moderately conserved and there is a large physicochemical difference between aspartic acid and tyrosine. This variant is not present in population databases (ExAC no frequency). This variant has not been reported in the literature in individuals affected with LRP2-related conditions. Advanced modeling of protein sequence and biophysical properties (such as structural, functional, and spatial information, amino acid conservation, physicochemical variation, residue mobility, and thermodynamic stability) performed at Invitae indicates that this missense variant is not expected to disrupt LRP2 protein function. In summary, the available evidence is currently insufficient to determine the role of this variant in disease. Therefore, it has been classified as a Variant of Uncertain Significance.